The following is an entry in ClinVar:

NM_001171.6(ABCC6):c.4127A>G (p.Glu1376Gly)

Gene: ABCC6 (ATP binding cassette subfamily C member 6; minus strand). Cytogenetic location: 16p13.11.
Variant type: single nucleotide variant.
Coding change: c.4127A>G on transcript NM_001171.6 (MANE Select); coding-DNA position 4127, A replaced by G.
Protein change: p.Glu1376Gly; replaces glutamic acid 1376 with glycine.
Molecular consequence: missense variant. On other transcripts: non-coding transcript variant (1).
Genome position (GRCh38, 1-based): chr16:16,154,709, T>C on the plus strand (A>G on the coding strand, the complement: ABCC6 is on the minus strand). VCF-style: chr16-16154709-T-C. GRCh37 (hg19) VCF-style: chr16-16248566-T-C.
Other names: c.3785A>G, p.Glu1262Gly (NM_001351800.1); short protein forms E1262G, E1376G.
Identifiers: ClinVar variation 1392763 (VCV001392763.8), dbSNP rs2152211922, ClinGen allele CA394884579.

ClinVar aggregate classification (germline): Uncertain significance. Review status: criteria provided, multiple submitters, no conflicts (2 of 4 stars). 2 submissions from 2 submitters: Uncertain significance (2). Last evaluated 2025-10-11.

Submissions (2):

Labcorp Genetics (formerly Invitae), Labcorp
Classification: Uncertain significance. Last evaluated: 2025-10-11. Review status: criteria provided, single submitter. Criteria: Invitae Variant Classification Sherloc (09022015). Collection method: clinical testing. Allele origin: germline.
Comment: This sequence change replaces glutamic acid, which is acidic and polar, with glycine, which is neutral and non-polar, at codon 1376 of the ABCC6 protein (p.Glu1376Gly). This variant is not present in population databases (gnomAD no frequency). This variant has not been reported in the literature in individuals affected with ABCC6-related conditions. ClinVar contains an entry for this variant (Variation ID: 1392763). An algorithm developed to predict the effect of missense changes on protein structure and function outputs the following: PolyPhen-2: "Benign". The glycine amino acid residue is found in multiple mammalian species, which suggests that this missense change does not adversely affect protein function. In summary, the available evidence is currently insufficient to determine the role of this variant in disease. Therefore, it has been classified as a Variant of Uncertain Significance.

Dasa
Classification: Uncertain significance. Last evaluated: 2025-05-21. Review status: criteria provided, single submitter. Criteria: DASA Assertion Criteria. Collection method: clinical testing. Allele origin: germline.
Comment: NM_001171.6(ABCC6):c.4127A>G (p.Glu1376Gly) is a missense variant that results in the substitution of glutamic acid with glycine. The affected residue or protein region has prior evidence supporting clinical relevance. This variant is rare in population databases. The currently available literature and clinical evidence are not sufficient to establish a definitive association between this variant and the reported condition. Therefore, this variant is classified as a variant of uncertain significance.